The following is an entry in ClinVar:

NM_170606.3(KMT2C):c.7357C>G (p.Pro2453Ala)

Gene: KMT2C (lysine methyltransferase 2C; minus strand). Cytogenetic location: 7q36.1.
Variant type: single nucleotide variant.
Coding change: c.7357C>G on transcript NM_170606.3 (MANE Select); coding-DNA position 7357, C replaced by G.
Protein change: p.Pro2453Ala; replaces proline 2453 with alanine.
Molecular consequence: missense variant.
Genome position (GRCh38, 1-based): chr7:152,179,919, G>C on the plus strand (C>G on the coding strand, the complement: KMT2C is on the minus strand). VCF-style: chr7-152179919-G-C. GRCh37 (hg19) VCF-style: chr7-151877004-G-C.
Other names: short protein forms P2453A.
Identifiers: ClinVar variation 4989208 (VCV004989208.1).

ClinVar aggregate classification (germline): Uncertain significance (1 of 4 stars; one submission).

Conditions:
KMT2C-related disorder. Also called: KMT2C-related condition; KMT2C-related disorders.

gnomAD v4.1: 3 of 1,613,914 alleles (0.00019%); highest among the groups gnomAD compares: Admixed American, 0.0033%; no homozygotes.

Submission:

PreventionGenetics, part of Exact Sciences
Classification: Uncertain significance for KMT2C-related condition. Last evaluated: 2026-02-19. Review status: criteria provided, single submitter. Criteria: ACMG Guidelines, 2015. Collection method: clinical testing. Allele origin: germline.
Comment: The KMT2C c.7357C>G variant is predicted to result in the amino acid substitution p.Pro2453Ala. To our knowledge, this variant has not been reported in the literature or in a large population database (gnomAD), indicating this variant is rare. At this time, the clinical significance of this variant is uncertain due to the absence of conclusive functional and genetic evidence.